The following is an entry in ClinVar:

NM_000447.3(PSEN2):c.65C>T (p.Ser22Leu)

Gene: PSEN2 (presenilin 2; plus strand). Cytogenetic location: 1q42.13.
Variant type: single nucleotide variant.
Coding change: c.65C>T on transcript NM_000447.3 (MANE Select); coding-DNA position 65, C replaced by T.
Protein change: p.Ser22Leu; replaces serine 22 with leucine.
Molecular consequence: missense variant.
Genome position (GRCh38, 1-based): chr1:226,881,972, C>T. VCF-style: chr1-226881972-C-T. GRCh37 (hg19) VCF-style: chr1-227069673-C-T.
Other names: c.65C>T, p.Ser22Leu (NM_001437537.1, NM_012486.3); short protein forms S22L.
Identifiers: ClinVar variation 4731375 (VCV004731375.1).
Genomic context (GRCh38, chr1:226,881,972, plus strand): 5'-TCACATTCATGGCCTCTGACAGCGAGGAAGAAGTGTGTGATGAGCGGACGTCCCTAATGT[C>T]GGCTGAGAGCCCCACGCCGCGCTCCTGCCAGGAGGGCAGGCAGGGCCCAGAGGATGGAGA-3'
Protein context (NP_000438.2, residues 12-32): EVCDERTSLM[Ser22Leu]AESPTPRSCQ

ClinVar aggregate classification (germline): Uncertain significance (1 of 4 stars; one submission).

Conditions:
Alzheimer disease 4 (AD4). Identifiers: Orphanet 1020, MedGen C1847200, MONDO:0011743, OMIM 606889.

gnomAD v4.1: 64 of 1,614,098 alleles (0.004%); highest among the groups gnomAD compares: Non-Finnish European, 0.0049%; no homozygotes.

Submission:

Labcorp Genetics (formerly Invitae), Labcorp
Classification: Uncertain significance for Alzheimer disease 4. Last evaluated: 2025-11-25. Review status: criteria provided, single submitter. Criteria: Invitae Variant Classification Sherloc (09022015). Collection method: clinical testing. Allele origin: germline.
Comment: This sequence change replaces serine, which is neutral and polar, with leucine, which is neutral and non-polar, at codon 22 of the PSEN2 protein (p.Ser22Leu). This variant is present in population databases (rs552406611, gnomAD 0.003%). This variant has not been reported in the literature in individuals affected with PSEN2-related conditions. An algorithm developed to predict the effect of missense changes on protein structure and function (PolyPhen-2) suggests that this variant is likely to be tolerated. In summary, the available evidence is currently insufficient to determine the role of this variant in disease. Therefore, it has been classified as a Variant of Uncertain Significance.